The following is an entry in ClinVar:

NM_004370.6(COL12A1):c.4133G>A (p.Ser1378Asn)

Gene: COL12A1 (collagen type XII alpha 1 chain; minus strand). Cytogenetic location: 6q13.
Variant type: single nucleotide variant.
Coding change: c.4133G>A on transcript NM_004370.6 (MANE Select); coding-DNA position 4133, G replaced by A.
Protein change: p.Ser1378Asn; replaces serine 1378 with asparagine.
Molecular consequence: missense variant.
Genome position (GRCh38, 1-based): chr6:75,151,155, C>T on the plus strand (G>A on the coding strand, the complement: COL12A1 is on the minus strand). VCF-style: chr6-75151155-C-T. GRCh37 (hg19) VCF-style: chr6-75860871-C-T.
Other names: c.641G>A, p.Ser214Asn (NM_080645.3); short protein forms S1378N, S214N.
Identifiers: ClinVar variation 857453 (VCV000857453.10), dbSNP rs1033092764, ClinGen allele CA141004189.

ClinVar aggregate classification (germline): Uncertain significance (1 of 4 stars; one submission).

Conditions:
Ullrich congenital muscular dystrophy 2 (UCMD2). Identifiers: Orphanet 75840, MedGen C4225314, MONDO:0014654, OMIM 616470.
Bethlem myopathy 2 (BTHLM2). Identifiers: Orphanet 536516, Orphanet 610, MedGen C4225313, MONDO:0034022, OMIM 616471.

Allele frequency attached by ClinVar (database versions not stated): TOPMed below 0.00001.
gnomAD v4.1: 1 of 1,581,528 alleles (0.000063%); highest among the groups gnomAD compares: Non-Finnish European, 0.000086%; no homozygotes.

Submission:

Labcorp Genetics (formerly Invitae), Labcorp
Classification: Uncertain significance for Bethlem myopathy 2; Ullrich congenital muscular dystrophy 2. Last evaluated: 2022-11-03. Review status: criteria provided, single submitter. Criteria: Invitae Variant Classification Sherloc (09022015). Collection method: clinical testing. Allele origin: germline.
Comment: In summary, the available evidence is currently insufficient to determine the role of this variant in disease. Therefore, it has been classified as a Variant of Uncertain Significance. Advanced modeling of protein sequence and biophysical properties (such as structural, functional, and spatial information, amino acid conservation, physicochemical variation, residue mobility, and thermodynamic stability) has been performed at Invitae for this missense variant, however the output from this modeling did not meet the statistical confidence thresholds required to predict the impact of this variant on COL12A1 protein function. ClinVar contains an entry for this variant (Variation ID: 857453). This variant has not been reported in the literature in individuals affected with COL12A1-related conditions. This variant is not present in population databases (gnomAD no frequency). This sequence change replaces serine, which is neutral and polar, with asparagine, which is neutral and polar, at codon 1378 of the COL12A1 protein (p.Ser1378Asn).